The following is an entry in ClinVar:

NM_004082.5(DCTN1):c.3504A>G (p.Val1168=)

Gene: DCTN1 (dynactin subunit 1; minus strand). Cytogenetic location: 2p13.1.
Variant type: single nucleotide variant.
Coding change: c.3504A>G on transcript NM_004082.5 (MANE Select); coding-DNA position 3504, A replaced by G.
Protein change: p.Val1168=; no amino-acid change (valine 1168 retained).
Molecular consequence: synonymous variant. On other transcripts: non-coding transcript variant (1).
Genome position (GRCh38, 1-based): chr2:74,363,019, T>C on the plus strand (A>G on the coding strand, the complement: DCTN1 is on the minus strand). VCF-style: chr2-74363019-T-C. GRCh37 (hg19) VCF-style: chr2-74590146-T-C.
Other names: c.3429A>G, p.Val1143= (NM_001135040.3); c.3087A>G, p.Val1029= (NM_001135041.3); c.3378A>G, p.Val1126= (NM_001190836.2); c.3483A>G, p.Val1161= (NM_001190837.2); c.3453A>G, p.Val1151= (NM_001378991.1); c.3435A>G, p.Val1145= (NM_001378992.1); c.3102A>G, p.Val1034= (NM_023019.4).
Identifiers: ClinVar variation 3354700 (VCV003354700.1).

ClinVar aggregate classification (germline): Likely benign (0 of 4 stars; one submission).

Conditions:
DCTN1-related disorder. Also called: DCTN1-related condition.

Submission:

PreventionGenetics, part of Exact Sciences
Classification: Likely benign for DCTN1-related condition. Last evaluated: 2024-04-29. Review status: no assertion criteria provided. Collection method: clinical testing. Allele origin: germline.
Comment: This variant is classified as likely benign based on ACMG/AMP sequence variant interpretation guidelines (Richards et al. 2015 PMID: 25741868, with internal and published modifications).